The following is an entry in ClinVar:

NM_006767.4(LZTR1):c.201-29_201-15del

Gene: LZTR1 (leucine zipper like post translational regulator 1; plus strand). Cytogenetic location: 22q11.21.
Variant type: Deletion.
Coding change: c.201-29_201-15del on transcript NM_006767.4 (MANE Select); 29 bases into the intron before coding-DNA position 201 through 15 bases into the intron before coding-DNA position 201, 15 bases deleted (CTTACCGCCCTCCAC).
Molecular consequence: intron variant.
Genome position (GRCh38, 1-based): chr22:20,982,998-20,983,012, CTTACCGCCCTCCAC deleted; deleting any 15 consecutive bases within chr22:20,982,997-20,983,012 gives the same sequence; the c. name uses the placement nearest the transcript's 3' end. VCF-style (leftmost placement, unchanged base first): chr22-20982996-TCCTTACCGCCCTCCA-T. GRCh37 (hg19) VCF-style: chr22-21337285-TCCTTACCGCCCTCCA-T.
Identifiers: ClinVar variation 4808342 (VCV004808342.1).
Genomic context (GRCh38, chr22:20,982,996, plus strand): 5'-ACTTCCGTGGCAGCTCTCCTGCTTAGTCCCATTCCTTGGGTGCCCCCCAGGAGGGTCCTG[TCCTTACCGCCCTCCA>T]CTCCTTTCTTTCCAGGCGCAGCAAGCACACAGTGGTGGCCTATAAAGATGCCATTTATGT-3'

ClinVar aggregate classification (germline): Uncertain significance (1 of 4 stars; one submission).

Submission:

Labcorp Genetics (formerly Invitae), Labcorp
Classification: Uncertain significance. Last evaluated: 2025-12-01. Review status: criteria provided, single submitter. Criteria: Invitae Variant Classification Sherloc (09022015). Collection method: clinical testing. Allele origin: germline.
Comment: This sequence change falls in intron 1 of the LZTR1 gene. It does not directly change the encoded amino acid sequence of the LZTR1 protein. This variant is present in population databases (no rsID available, gnomAD 0.01%). This variant has not been reported in the literature in individuals affected with LZTR1-related conditions. In summary, the available evidence is currently insufficient to determine the role of this variant in disease. Therefore, it has been classified as a Variant of Uncertain Significance.